The following is an entry in ClinVar:

NM_004320.6(ATP2A1):c.1369A>G (p.Thr457Ala)

Gene: ATP2A1 (ATPase sarcoplasmic/endoplasmic reticulum Ca2+ transporting 1; plus strand). Cytogenetic location: 16p11.2.
Variant type: single nucleotide variant.
Coding change: c.1369A>G on transcript NM_004320.6 (MANE Select); coding-DNA position 1369, A replaced by G.
Protein change: p.Thr457Ala; replaces threonine 457 with alanine.
Molecular consequence: missense variant.
Genome position (GRCh38, 1-based): chr16:28,894,903, A>G. VCF-style: chr16-28894903-A-G. GRCh37 (hg19) VCF-style: chr16-28906224-A-G.
Other names: c.994A>G, p.Thr332Ala (NM_001286075.2); c.1369A>G, p.Thr457Ala (NM_173201.5); c.1369A>G (NM_173201.4); short protein forms T332A, T457A.
Identifiers: ClinVar variation 860782 (VCV000860782.10), dbSNP rs1203169806, ClinGen allele CA395407983.

ClinVar aggregate classification (germline): Uncertain significance. Review status: criteria provided, multiple submitters, no conflicts (2 of 4 stars). 2 submissions from 2 submitters: Uncertain significance (2). Last evaluated 2023-09-05.

Conditions:
Brody myopathy. Also called: BRODY DISEASE. Identifiers: Orphanet 53347, MedGen C1832918, MONDO:0010977, OMIM 601003.

Allele frequency attached by ClinVar (database versions not stated): gnomAD exomes 0.00001; TOPMed 0.00002.
gnomAD v4.1: 16 of 1,612,508 alleles (0.00099%); highest among the groups gnomAD compares: Middle Eastern, 0.017%; no homozygotes.

Submissions (2):

Revvity Omics, Revvity
Classification: Uncertain significance for Brody myopathy. Last evaluated: 2023-09-05. Review status: criteria provided, single submitter. Criteria: ACMG Guidelines, 2015. Collection method: clinical testing. Allele origin: germline.

Labcorp Genetics (formerly Invitae), Labcorp
Classification: Uncertain significance for Brody myopathy. Last evaluated: 2019-12-31. Review status: criteria provided, single submitter. Criteria: Invitae Variant Classification Sherloc (09022015). Collection method: clinical testing. Allele origin: germline.
Comment: Algorithms developed to predict the effect of missense changes on protein structure and function (SIFT, PolyPhen-2, Align-GVGD) all suggest that this variant is likely to be tolerated, but these predictions have not been confirmed by published functional studies and their clinical significance is uncertain. In summary, the available evidence is currently insufficient to determine the role of this variant in disease. Therefore, it has been classified as a Variant of Uncertain Significance. This variant has not been reported in the literature in individuals with ATP2A1-related conditions. This variant is not present in population databases (ExAC no frequency). This sequence change replaces threonine with alanine at codon 457 of the ATP2A1 protein (p.Thr457Ala). The threonine residue is moderately conserved and there is a small physicochemical difference between threonine and alanine.